The following is an entry in ClinVar:

ClinVar aggregate classification (germline): Uncertain significance. Review status: criteria provided, multiple submitters, no conflicts (2 of 4 stars). 4 submissions from 4 submitters: Uncertain significance (4). Last evaluated 2026-06-02.

Conditions:
Mitochondrial complex II deficiency, nuclear type 1. Also called: SUCCINATE CoQ REDUCTASE DEFICIENCY. Identifiers: Orphanet 3208, MedGen C5700310, MONDO:0100294, OMIM 252011.
Pheochromocytoma/paraganglioma syndrome 5. Also called: Paragangliomas 5; SDHA-Related Hereditary Paraganglioma-Pheochromocytoma Syndrome. Identifiers: Orphanet 29072, MedGen C3279992, MONDO:0013602, OMIM 614165.
Hereditary cancer-predisposing syndrome. Also called: Hereditary Cancer Syndrome; Hereditary neoplastic syndrome; Neoplastic Syndromes, Hereditary; Tumor predisposition. Identifiers: Orphanet 140162, MedGen C0027672, MeSH D009386, MONDO:0015356.

Allele frequency attached by ClinVar (database versions not stated): gnomAD exomes below 0.00001; gnomAD 0.00001; TOPMed 0.00001.
gnomAD v4.1: 4 of 1,613,718 alleles (0.00025%); highest among the groups gnomAD compares: Non-Finnish European, 0.00034%; no homozygotes.

Submissions (4):

Ambry Genetics
Classification: Uncertain significance for Hereditary cancer-predisposing syndrome. Last evaluated: 2026-06-02. Review status: criteria provided, single submitter. Criteria: Ambry Variant Classification Scheme 2023. Collection method: clinical testing. Allele origin: germline.
Comment: The p.Y141C variant (also known as c.422A>G), located in coding exon 4 of the SDHA gene, results from an A to G substitution at nucleotide position 422. The tyrosine at codon 141 is replaced by cysteine, an amino acid with highly dissimilar properties. This amino acid position is highly conserved in available vertebrate species. In addition, this alteration is predicted to be deleterious by in silico analysis. Based on the available evidence, the clinical significance of this variant remains unclear.

Labcorp Genetics (formerly Invitae), Labcorp
Classification: Uncertain significance for Pheochromocytoma/paraganglioma syndrome 5; Mitochondrial complex II deficiency, nuclear type 1. Last evaluated: 2022-10-18. Review status: criteria provided, single submitter. Criteria: Invitae Variant Classification Sherloc (09022015). Collection method: clinical testing. Allele origin: germline.
Comment: In summary, the available evidence is currently insufficient to determine the role of this variant in disease. Therefore, it has been classified as a Variant of Uncertain Significance. Algorithms developed to predict the effect of missense changes on protein structure and function (SIFT, PolyPhen-2, Align-GVGD) all suggest that this variant is likely to be disruptive. ClinVar contains an entry for this variant (Variation ID: 1677796). This variant has not been reported in the literature in individuals affected with SDHA-related conditions. This variant is not present in population databases (gnomAD no frequency). This sequence change replaces tyrosine, which is neutral and polar, with cysteine, which is neutral and slightly polar, at codon 141 of the SDHA protein (p.Tyr141Cys).

Sema4
Classification: Uncertain significance for Hereditary cancer-predisposing syndrome. Last evaluated: 2022-02-24. Review status: criteria provided, single submitter. Criteria: Sema4 Curation Guidelines. Collection method: curation. Allele origin: germline.
Comment: The SDHA c.422A>G (p.Y141C) variant has not been reported in the literature to our knowledge. This variant is not reported in the population database Genome Aggregation Database (PMID: 32461654). The variant has not been reported in ClinVar. In silico tools suggest the impact of the variant on protein function is deleterious, though these predictions have not been confirmed by functional studies. The evidence is insufficient to meet ACMG/AMP criteria for classifying the variant as benign or pathogenic. Thus, the clinical significance of this variant is currently uncertain.

AiLife Diagnostics
Classification: Uncertain significance. Last evaluated: 2022-01-09. Review status: criteria provided, single submitter. Criteria: ACMG Guidelines, 2015. Collection method: clinical testing. Allele origin: germline. Affected: yes. Observed: 1 variant allele.

NM_004168.4(SDHA):c.422A>G (p.Tyr141Cys)

Gene: SDHA (succinate dehydrogenase complex flavoprotein subunit A; plus strand). Cytogenetic location: 5p15.33.
Variant type: single nucleotide variant.
Coding change: c.422A>G on transcript NM_004168.4 (MANE Select); coding-DNA position 422, A replaced by G.
Protein change: p.Tyr141Cys; replaces tyrosine 141 with cysteine.
Molecular consequence: missense variant. On other transcripts: intron variant (1).
Genome position (GRCh38, 1-based): chr5:225,528, A>G. VCF-style: chr5-225528-A-G. GRCh37 (hg19) VCF-style: chr5-225643-A-G.
Other names: c.422A>G, p.Tyr141Cys (NM_001330758.2); c.313-355A>G (NM_001294332.2); c.422A>G (NM_004168.2); short protein forms Y141C.
Identifiers: ClinVar variation 1677796 (VCV001677796.9), dbSNP rs1377816261, ClinGen allele CA359009585.